The following is an entry in ClinVar:

ClinVar aggregate classification (germline): Uncertain significance (1 of 4 stars; one submission).

Conditions:
Immunodeficiency, common variable, 2 (CVID2). Also called: HYPOGAMMAGLOBULINEMIA DUE TO TACI DEFICIENCY; ANTIBODY DEFICIENCY DUE TO TACI DEFECT. Identifiers: Orphanet 1572, MedGen C3150354, MONDO:0009413, OMIM 240500.

Allele frequency attached by ClinVar (database versions not stated): gnomAD exomes 0.00001.
gnomAD v4.1: 9 of 1,614,086 alleles (0.00056%); highest among the groups gnomAD compares: Non-Finnish European, 0.00076%; no homozygotes.

Submission:

Labcorp Genetics (formerly Invitae), Labcorp
Classification: Uncertain significance for Immunodeficiency, common variable, 2. Last evaluated: 2022-05-22. Review status: criteria provided, single submitter. Criteria: Invitae Variant Classification Sherloc (09022015). Collection method: clinical testing. Allele origin: germline.
Comment: In summary, the available evidence is currently insufficient to determine the role of this variant in disease. Therefore, it has been classified as a Variant of Uncertain Significance. Algorithms developed to predict the effect of missense changes on protein structure and function are either unavailable or do not agree on the potential impact of this missense change (SIFT: "Deleterious"; PolyPhen-2: "Benign"; Align-GVGD: "Class C0"). This variant has not been reported in the literature in individuals affected with TNFRSF13B-related conditions. This variant is not present in population databases (gnomAD no frequency). This sequence change replaces glutamic acid, which is acidic and polar, with lysine, which is basic and polar, at codon 145 of the TNFRSF13B protein (p.Glu145Lys).

NM_012452.3(TNFRSF13B):c.433G>A (p.Glu145Lys)

Gene: TNFRSF13B (TNF receptor superfamily member 13B; minus strand). Cytogenetic location: 17p11.2.
Variant type: single nucleotide variant.
Coding change: c.433G>A on transcript NM_012452.3 (MANE Select); coding-DNA position 433, G replaced by A.
Protein change: p.Glu145Lys; replaces glutamic acid 145 with lysine.
Molecular consequence: missense variant.
Genome position (GRCh38, 1-based): chr17:16,948,750, C>T on the plus strand (G>A on the coding strand, the complement: TNFRSF13B is on the minus strand). VCF-style: chr17-16948750-C-T. GRCh37 (hg19) VCF-style: chr17-16852064-C-T.
Other names: short protein forms E145K.
Identifiers: ClinVar variation 2088739 (VCV002088739.4), dbSNP rs766625705, ClinGen allele CA288287903.